The following is an entry in ClinVar:

ClinVar aggregate classification (germline): Uncertain significance. Review status: criteria provided, multiple submitters, no conflicts (2 of 4 stars). 2 submissions from 2 submitters: Uncertain significance (2). Last evaluated 2024-10-08.

Allele frequency attached by ClinVar (database versions not stated): gnomAD 0.00003 and 0.00005; TOPMed 0.00006; gnomAD exomes 0.00007 and 0.00008; ExAC 0.00011; 1000 Genomes Project 30x 0.00016; 1000 Genomes Project 0.00020.
gnomAD v4.1: 111 of 1,614,086 alleles (0.0069%); highest among the groups gnomAD compares: South Asian, 0.019%; no homozygotes.

Submissions (2):

Labcorp Genetics (formerly Invitae), Labcorp
Classification: Uncertain significance. Last evaluated: 2024-10-08. Review status: criteria provided, single submitter. Criteria: Invitae Variant Classification Sherloc (09022015). Collection method: clinical testing. Allele origin: germline.
Comment: This sequence change replaces threonine, which is neutral and polar, with methionine, which is neutral and non-polar, at codon 1786 of the RTTN protein (p.Thr1786Met). This variant is present in population databases (rs201508304, gnomAD 0.03%). This variant has not been reported in the literature in individuals affected with RTTN-related conditions. ClinVar contains an entry for this variant (Variation ID: 1700810). Invitae Evidence Modeling of protein sequence and biophysical properties (such as structural, functional, and spatial information, amino acid conservation, physicochemical variation, residue mobility, and thermodynamic stability) indicates that this missense variant is not expected to disrupt RTTN protein function with a negative predictive value of 80%. In summary, the available evidence is currently insufficient to determine the role of this variant in disease. Therefore, it has been classified as a Variant of Uncertain Significance.

GeneDx
Classification: Uncertain significance. Last evaluated: 2022-08-11. Review status: criteria provided, single submitter. Criteria: GeneDx Variant Classification Process June 2021. Collection method: clinical testing. Allele origin: germline. Affected: yes.
Comment: In silico analysis supports that this missense variant does not alter protein structure/function; Has not been previously published as pathogenic or benign to our knowledge

NM_173630.4(RTTN):c.5357C>T (p.Thr1786Met)

Genes: RTTN (rotatin; minus strand), LOC126862785 (MED14-independent group 3 enhancer GRCh37_chr18:67714790-67715989; plus strand). Cytogenetic location: 18q22.2.
Variant type: single nucleotide variant.
Coding change: c.5357C>T on transcript NM_173630.4 (MANE Select); coding-DNA position 5357, C replaced by T.
Protein change: p.Thr1786Met; replaces threonine 1786 with methionine.
Molecular consequence: missense variant.
Genome position (GRCh38, 1-based): chr18:70,048,155, G>A on the plus strand (C>T on the coding strand, the complement: RTTN is on the minus strand). VCF-style: chr18-70048155-G-A. GRCh37 (hg19) VCF-style: chr18-67715391-G-A.
Other names: c.2621C>T, p.Thr874Met (NM_001318520.2); short protein forms T1786M, T874M.
Identifiers: ClinVar variation 1700810 (VCV001700810.5), dbSNP rs201508304, ClinGen allele CA8994952.